The following is an entry in ClinVar:

ClinVar aggregate classification (germline): Likely benign. Review status: criteria provided, multiple submitters, no conflicts (2 of 4 stars). 2 submissions from 2 submitters: Likely benign (2). Last evaluated 2024-01-21.

Conditions:
Neuronal ceroid lipofuscinosis. Also called: Neuronal Ceroid Lipofuscinoses. Identifiers: Orphanet 216, Orphanet 79263, MedGen C0027877, MONDO:0016295. Disease mechanism: loss of function.

Allele frequency attached by ClinVar (database versions not stated): ExAC 0.00001; gnomAD exomes 0.00001.
gnomAD v4.1: 19 of 1,613,674 alleles (0.0012%); highest among the groups gnomAD compares: Non-Finnish European, 0.0013%; no homozygotes.

Submissions (2):

Labcorp Genetics (formerly Invitae), Labcorp
Classification: Likely benign for Neuronal ceroid lipofuscinosis. Last evaluated: 2024-01-21. Review status: criteria provided, single submitter. Criteria: Invitae Variant Classification Sherloc (09022015). Collection method: clinical testing. Allele origin: germline.

GeneDx
Classification: Likely benign. Last evaluated: 2015-11-19. Review status: criteria provided, single submitter. Criteria: GeneDx Variant Classification (06012015). Collection method: clinical testing. Allele origin: germline. Affected: yes.
Comment: This variant is considered likely benign or benign based on one or more of the following criteria: it is a conservative change, it occurs at a poorly conserved position in the protein, it is predicted to be benign by multiple in silico algorithms, and/or has population frequency not consistent with disease.

NM_001909.5(CTSD):c.827+9T>A

Gene: CTSD (cathepsin D; minus strand). Cytogenetic location: 11p15.5.
Variant type: single nucleotide variant.
Coding change: c.827+9T>A on transcript NM_001909.5 (MANE Select); 9 bases into the intron after coding-DNA position 827, T replaced by A.
Molecular consequence: intron variant.
Genome position (GRCh38, 1-based): chr11:1,754,897, A>T on the plus strand (T>A on the coding strand, the complement: CTSD is on the minus strand). VCF-style: chr11-1754897-A-T. GRCh37 (hg19) VCF-style: chr11-1776127-A-T.
Identifiers: ClinVar variation 381791 (VCV000381791.4), dbSNP rs757270638, ClinGen allele CA5814059.